The following is an entry in ClinVar:

ClinVar aggregate classification (germline): Uncertain significance (1 of 4 stars; one submission).

Submission:

GeneDx
Classification: Uncertain significance. Last evaluated: 2026-04-09. Review status: criteria provided, single submitter. Criteria: GeneDx Variant Classification Process June 2021. Collection method: clinical testing. Allele origin: germline.
Comment: Not observed at significant frequency in large population cohorts (gnomAD); In silico analysis supports that this missense variant has a deleterious effect on protein structure/function; Has not been previously published as pathogenic or benign to our knowledge

NM_002430.3(MN1):c.2729C>T (p.Pro910Leu)

Gene: MN1 (MN1 proto-oncogene, transcriptional regulator; minus strand). Cytogenetic location: 22q12.1.
Variant type: single nucleotide variant.
Coding change: c.2729C>T on transcript NM_002430.3 (MANE Select); coding-DNA position 2729, C replaced by T.
Protein change: p.Pro910Leu; replaces proline 910 with leucine.
Molecular consequence: missense variant.
Genome position (GRCh38, 1-based): chr22:27,797,815, G>A on the plus strand (C>T on the coding strand, the complement: MN1 is on the minus strand). VCF-style: chr22-27797815-G-A. GRCh37 (hg19) VCF-style: chr22-28193803-G-A.
Other names: short protein forms P910L.
Identifiers: ClinVar variation 5018294 (VCV005018294.1).